The following is an entry in ClinVar:

ClinVar aggregate classification (germline): Uncertain significance (1 of 4 stars; one submission).

Allele frequency attached by ClinVar (database versions not stated): gnomAD exomes 0.00001 and 0.00002; ExAC 0.00002; gnomAD 0.00007 and 0.00008; TOPMed 0.00007; ESP Exome Variant Server 0.00008; 1000 Genomes Project 0.00020; 1000 Genomes Project 30x 0.00031.
gnomAD v4.1: 27 of 1,614,100 alleles (0.0017%); highest among the groups gnomAD compares: African/African-American, 0.02%; no homozygotes.

Submission:

Labcorp Genetics (formerly Invitae), Labcorp
Classification: Uncertain significance. Last evaluated: 2025-11-07. Review status: criteria provided, single submitter. Criteria: Invitae Variant Classification Sherloc (09022015). Collection method: clinical testing. Allele origin: germline.
Comment: This sequence change affects codon 474 of the ARHGEF10 mRNA. It is a 'silent' change, meaning that it does not change the encoded amino acid sequence of the ARHGEF10 protein. This variant is present in population databases (rs370815249, gnomAD 0.02%). This variant has not been reported in the literature in individuals affected with ARHGEF10-related conditions. ClinVar contains an entry for this variant (Variation ID: 1407367). Algorithms developed to predict the effect of sequence changes on RNA splicing suggest that this variant may create or strengthen a splice site. In summary, the available evidence is currently insufficient to determine the role of this variant in disease. Therefore, it has been classified as a Variant of Uncertain Significance.

NM_014629.4(ARHGEF10):c.1422C>T (p.Gly474=)

Gene: ARHGEF10 (Rho guanine nucleotide exchange factor 10; plus strand). Cytogenetic location: 8p23.3.
Variant type: single nucleotide variant.
Coding change: c.1422C>T on transcript NM_014629.4 (MANE Select); coding-DNA position 1422, C replaced by T.
Protein change: p.Gly474=; no amino-acid change (glycine 474 retained).
Molecular consequence: synonymous variant.
Genome position (GRCh38, 1-based): chr8:1,894,554, C>T. VCF-style: chr8-1894554-C-T. GRCh37 (hg19) VCF-style: chr8-1842720-C-T.
Other names: c.1308C>T, p.Gly436= (NM_001308152.2); c.1425C>T, p.Gly475= (NM_001308153.3).
Identifiers: ClinVar variation 1407367 (VCV001407367.8), dbSNP rs370815249, ClinGen allele CA4600354.